The following is an entry in ClinVar:

ClinVar aggregate classification (germline): Uncertain significance (1 of 4 stars; one submission).

Submission:

GeneDx
Classification: Uncertain significance. Last evaluated: 2022-03-31. Review status: criteria provided, single submitter. Criteria: GeneDx Variant Classification Process June 2021. Collection method: clinical testing. Allele origin: germline. Affected: yes.
Comment: Not observed at significant frequency in large population cohorts (gnomAD); In silico analysis supports that this missense variant does not alter protein structure/function; Has not been previously published as pathogenic or benign to our knowledge

NM_000355.4(TCN2):c.59T>C (p.Met20Thr)

Genes: TCN2 (transcobalamin 2; plus strand), LOC121853040 (Sharpr-MPRA regulatory region 10016; plus strand). Cytogenetic location: 22q12.2.
Variant type: single nucleotide variant.
Coding change: c.59T>C on transcript NM_000355.4 (MANE Select); coding-DNA position 59, T replaced by C.
Protein change: p.Met20Thr; replaces methionine 20 with threonine.
Molecular consequence: missense variant.
Genome position (GRCh38, 1-based): chr22:30,607,390, T>C. VCF-style: chr22-30607390-T-C. GRCh37 (hg19) VCF-style: chr22-31003377-T-C.
Other names: c.59T>C, p.Met20Thr (NM_001184726.2); short protein forms M20T.
Identifiers: ClinVar variation 1707984 (VCV001707984.2), dbSNP rs752210008, ClinGen allele CA411204751.
Genomic context (GRCh38, chr22:30,607,390, plus strand): 5'-CCATGAGGCACCTTGGGGCCTTCCTCTTCCTTCTGGGGGTCCTGGGGGCCCTCACTGAGA[T>C]GTGTGGTGAGTAACTCGCCTCTATCCTGTGCCTCTTTCCTCCTGGGTCCTTAGTGGGGTG-3'
Protein context (NP_000346.2, residues 10-30): LLGVLGALTE[Met20Thr]CEIPEMDSHL